The following is an entry in ClinVar:

NM_153676.4(USH1C):c.1414-2_1415delinsTCTGGGTCTGAGACCCCCTGG

Gene: USH1C (USH1 protein network component harmonin; minus strand). Cytogenetic location: 11p15.1.
Variant type: Indel.
Coding change: c.1414-2_1415delinsTCTGGGTCTGAGACCCCCTGG on transcript NM_153676.4 (MANE Select); the canonical splice acceptor site of the intron before coding-DNA position 1414 through coding-DNA position 1415, AGGT replaced by TCTGGGTCTGAGACCCCCTGG.
Molecular consequence: splice acceptor variant. On other transcripts: intron variant (2).
Genome position (GRCh38, 1-based): chr11:17,510,520-17,510,523, ACCT replaced by CCAGGGGGTCTCAGACCCAGA on the plus strand (AGGT replaced by TCTGGGTCTGAGACCCCCTGG on the coding strand, the reverse complement: USH1C is on the minus strand). VCF-style: chr11-17510520-ACCT-CCAGGGGGTCTCAGACCCAGA. GRCh37 (hg19) VCF-style: chr11-17532067-ACCT-CCAGGGGGTCTCAGACCCAGA.
Other names: c.1227+6878_1227+6881delinsTCTGGGTCTGAGACCCCCTGG (NM_001297764.2); c.1284+6878_1284+6881delinsTCTGGGTCTGAGACCCCCTGG (NM_005709.4).
Identifiers: ClinVar variation 3906797 (VCV003906797.1).

ClinVar aggregate classification (germline): Uncertain significance (1 of 4 stars; one submission).

Submission:

GeneDx
Classification: Uncertain significance. Last evaluated: 2024-12-23. Review status: criteria provided, single submitter. Criteria: GeneDx Variant Classification Process June 2021. Collection method: clinical testing. Allele origin: germline. Affected: yes.
Comment: In silico analysis supports a deleterious effect on splicing; Has not been previously published as pathogenic or benign to our knowledge